The following is an entry in ClinVar:

ClinVar aggregate classification (germline): Benign/Likely benign. Review status: criteria provided, multiple submitters, no conflicts (2 of 4 stars). 4 submissions from 4 submitters: Benign (1); Likely benign (3). Last evaluated 2025-08-12.

Conditions:
Familial melanoma. Also called: Hereditary melanoma; Hereditary cutaneous melanoma. Identifiers: Orphanet 618, MedGen C1512419, MONDO:0018961.
Melanoma-pancreatic cancer syndrome. Identifiers: Orphanet 404560, MedGen C1838547, MONDO:0011713, OMIM 606719. Disease mechanism: loss of function.
Hereditary cancer-predisposing syndrome. Also called: Neoplastic Syndromes, Hereditary; Tumor predisposition; Hereditary Cancer Syndrome; Hereditary neoplastic syndrome. Identifiers: Orphanet 140162, MedGen C0027672, MeSH D009386, MONDO:0015356.

Submissions (4):

Myriad Genetics, Inc.
Classification: Benign for Melanoma-pancreatic cancer syndrome. Last evaluated: 2025-08-12. Review status: criteria provided, single submitter. Criteria: Myriad Autosomal Dominant, Autosomal Recessive and X-Linked Classification Criteria (2023). Collection method: clinical testing. Allele origin: unknown.
Comment: This variant is considered benign. This variant is a silent/synonymous amino acid change and it is not expected to impact splicing.

Center for Genomic Medicine, Rigshospitalet, Copenhagen University Hospital
Classification: Likely benign. Last evaluated: 2025-03-04. Review status: criteria provided, single submitter. Criteria: ACMG Guidelines, 2015. Collection method: clinical testing. Allele origin: germline.

Ambry Genetics
Classification: Likely benign for Hereditary cancer-predisposing syndrome. Last evaluated: 2024-08-29. Review status: criteria provided, single submitter. Criteria: Ambry Variant Classification Scheme 2023. Collection method: clinical testing. Allele origin: germline.

Labcorp Genetics (formerly Invitae), Labcorp
Classification: Likely benign for Familial melanoma. Last evaluated: 2021-09-04. Review status: criteria provided, single submitter. Criteria: Invitae Variant Classification Sherloc (09022015). Collection method: clinical testing. Allele origin: germline.

NM_058195.4(CDKN2A):c.135C>T (p.Leu45=)

Gene: CDKN2A (cyclin dependent kinase inhibitor 2A; minus strand). Cytogenetic location: 9p21.3.
Variant type: single nucleotide variant.
Coding change: c.135C>T on transcript NM_058195.4 (MANE Plus Clinical); coding-DNA position 135, C replaced by T.
Protein change: p.Leu45=; no amino-acid change (leucine 45 retained).
Molecular consequence: synonymous variant. On other transcripts: intron variant (1).
Genome position (GRCh38, 1-based): chr9:21,994,197, G>A on the plus strand (C>T on the coding strand, the complement: CDKN2A is on the minus strand). VCF-style: chr9-21994197-G-A. GRCh37 (hg19) VCF-style: chr9-21994196-G-A.
Other names: c.-4+624C>T (NM_001363763.2).
Identifiers: ClinVar variation 1116520 (VCV001116520.11), dbSNP rs766676234, ClinGen allele CA464100290.